The following is an entry in ClinVar:

NM_002602.4(PDE6G):c.32G>A (p.Arg11Gln)

Gene: PDE6G (phosphodiesterase 6G; minus strand). Cytogenetic location: 17q25.3.
Variant type: single nucleotide variant.
Coding change: c.32G>A on transcript NM_002602.4 (MANE Select); coding-DNA position 32, G replaced by A.
Protein change: p.Arg11Gln; replaces arginine 11 with glutamine.
Molecular consequence: missense variant.
Genome position (GRCh38, 1-based): chr17:81,653,274, C>T on the plus strand (G>A on the coding strand, the complement: PDE6G is on the minus strand). VCF-style: chr17-81653274-C-T. GRCh37 (hg19) VCF-style: chr17-79620304-C-T.
Other names: c.32G>A, p.Arg11Gln (NM_001365724.1, NM_001365725.1); c.32G>A (NM_002602.3); short protein forms R11Q.
Identifiers: ClinVar variation 1952725 (VCV001952725.6), dbSNP rs1347654087, ClinGen allele CA401474581.
Genomic context (GRCh38, chr17:81,653,274, plus strand): 5'-TTAAATTTAGGGGGCCCTTTCCTGGGGGTGACAGGTCCCCCGGCCACCCTGGTGGCTGAC[C>T]GGAACTCAGCCTTGGGCGGTTCCAGGTTCATGGTGAGGCTGACGGAGACACCGCGGCAAC-3'
Protein context (NP_002593.1, residues 1-21): MNLEPPKAEF[Arg11Gln]SATRVAGGPV

ClinVar aggregate classification (germline): Uncertain significance. Review status: criteria provided, multiple submitters, no conflicts (2 of 4 stars). 2 submissions from 2 submitters: Uncertain significance (2). Last evaluated 2025-06-06.

Allele frequency attached by ClinVar (database versions not stated): TOPMed below 0.00001.
gnomAD v4.1: 17 of 1,614,004 alleles (0.0011%); highest among the groups gnomAD compares: East Asian, 0.0022%; no homozygotes.

Submissions (2):

Ambry Genetics
Classification: Uncertain significance. Last evaluated: 2025-06-06. Review status: criteria provided, single submitter. Criteria: Ambry Variant Classification Scheme 2023. Collection method: clinical testing. Allele origin: germline.

Labcorp Genetics (formerly Invitae), Labcorp
Classification: Uncertain significance. Last evaluated: 2022-06-14. Review status: criteria provided, single submitter. Criteria: Invitae Variant Classification Sherloc (09022015). Collection method: clinical testing. Allele origin: germline.
Comment: This sequence change replaces arginine, which is basic and polar, with glutamine, which is neutral and polar, at codon 11 of the PDE6G protein (p.Arg11Gln). This variant is present in population databases (no rsID available, gnomAD 0.0009%). This variant has not been reported in the literature in individuals affected with PDE6G-related conditions. Algorithms developed to predict the effect of missense changes on protein structure and function (SIFT, PolyPhen-2, Align-GVGD) all suggest that this variant is likely to be tolerated. In summary, the available evidence is currently insufficient to determine the role of this variant in disease. Therefore, it has been classified as a Variant of Uncertain Significance.